The following is an entry in ClinVar:

NM_000363.5(TNNI3):c.479G>A (p.Gly160Glu)

Gene: TNNI3 (troponin I3, cardiac type; minus strand). Cytogenetic location: 19q13.42.
Variant type: single nucleotide variant.
Coding change: c.479G>A on transcript NM_000363.5 (MANE Select); coding-DNA position 479, G replaced by A.
Protein change: p.Gly160Glu; replaces glycine 160 with glutamic acid.
Molecular consequence: missense variant.
Genome position (GRCh38, 1-based): chr19:55,154,100, C>T on the plus strand (G>A on the coding strand, the complement: TNNI3 is on the minus strand). VCF-style: chr19-55154100-C-T. GRCh37 (hg19) VCF-style: chr19-55665468-C-T.
Other names: short protein forms G160E.
Identifiers: ClinVar variation 855747 (VCV000855747.9), dbSNP rs2085711894, ClinGen allele CA407440375.
Genomic context (GRCh38, chr19:55,154,100, plus strand): 5'-TCCTCCTTCTTCACCTGCTTGAGGTGGGCCCGCAGGTCCAGGGACTCCTTAGCCCGGGCC[C>T]CCAGCAGCGCCTGCATCATGGCATCTGCAGAGATCCTCACTCTCCGCAGGGTGGGCCGCT-3'
Protein context (NP_000354.4, residues 150-170): SADAMMQALL[Gly160Glu]ARAKESLDLR

ClinVar aggregate classification (germline): Uncertain significance (1 of 4 stars; one submission).

Conditions:
Hypertrophic cardiomyopathy. Also called: HYPERTROPHIC MYOCARDIOPATHY. Identifiers: Orphanet 217569, MedGen C0007194, MeSH D002312, MONDO:0005045, HP:0001639.

Submission:

Labcorp Genetics (formerly Invitae), Labcorp
Classification: Uncertain significance for Hypertrophic cardiomyopathy. Last evaluated: 2025-06-25. Review status: criteria provided, single submitter. Criteria: Invitae Variant Classification Sherloc (09022015). Collection method: clinical testing. Allele origin: germline.
Comment: This sequence change replaces glycine, which is neutral and non-polar, with glutamic acid, which is acidic and polar, at codon 160 of the TNNI3 protein (p.Gly160Glu). This variant is not present in population databases (gnomAD no frequency). This variant has not been reported in the literature in individuals affected with TNNI3-related conditions. ClinVar contains an entry for this variant (Variation ID: 855747). An algorithm developed to predict the effect of missense changes on protein structure and function (PolyPhen-2) suggests that this variant is likely to be disruptive. In summary, the available evidence is currently insufficient to determine the role of this variant in disease. Therefore, it has been classified as a Variant of Uncertain Significance.